The following is an entry in ClinVar:

NM_002470.4(MYH3):c.4841G>A (p.Arg1614Gln)

Gene: MYH3 (myosin heavy chain 3; minus strand). Cytogenetic location: 17p13.1.
Variant type: single nucleotide variant.
Coding change: c.4841G>A on transcript NM_002470.4 (MANE Select); coding-DNA position 4841, G replaced by A.
Protein change: p.Arg1614Gln; replaces arginine 1614 with glutamine.
Molecular consequence: missense variant.
Genome position (GRCh38, 1-based): chr17:10,632,591, C>T on the plus strand (G>A on the coding strand, the complement: MYH3 is on the minus strand). VCF-style: chr17-10632591-C-T. GRCh37 (hg19) VCF-style: chr17-10535908-C-T.
Other names: c.4841G>A (NM_002470.3); short protein forms R1614Q.
Identifiers: ClinVar variation 2080299 (VCV002080299.5), dbSNP rs750163741, ClinGen allele CA8392105.

ClinVar aggregate classification (germline): Uncertain significance. Review status: criteria provided, multiple submitters, no conflicts (2 of 4 stars). 2 submissions from 2 submitters: Uncertain significance (2). Last evaluated 2024-12-04.

Conditions:
Inborn genetic diseases. Identifiers: MedGen C0950123, MeSH D030342.

Allele frequency attached by ClinVar (database versions not stated): ExAC 0.00002; TOPMed 0.00002; gnomAD 0.00001.
gnomAD v4.1: 9 of 1,614,030 alleles (0.00056%); highest among the groups gnomAD compares: African/African-American, 0.0013%; no homozygotes.

Submissions (2):

Ambry Genetics
Classification: Uncertain significance for Inborn genetic diseases. Last evaluated: 2024-12-04. Review status: criteria provided, single submitter. Criteria: Ambry Variant Classification Scheme 2023. Collection method: clinical testing. Allele origin: germline.

Labcorp Genetics (formerly Invitae), Labcorp
Classification: Uncertain significance. Last evaluated: 2022-04-27. Review status: criteria provided, single submitter. Criteria: Invitae Variant Classification Sherloc (09022015). Collection method: clinical testing. Allele origin: germline.
Comment: In summary, the available evidence is currently insufficient to determine the role of this variant in disease. Therefore, it has been classified as a Variant of Uncertain Significance. Algorithms developed to predict the effect of missense changes on protein structure and function are either unavailable or do not agree on the potential impact of this missense change (SIFT: "Deleterious"; PolyPhen-2: "Benign"; Align-GVGD: "Class C35"). This variant has not been reported in the literature in individuals affected with MYH3-related conditions. This variant is present in population databases (rs750163741, gnomAD 0.003%). This sequence change replaces arginine, which is basic and polar, with glutamine, which is neutral and polar, at codon 1614 of the MYH3 protein (p.Arg1614Gln).